The following is an entry in ClinVar:

ClinVar aggregate classification (germline): Likely benign. Review status: criteria provided, multiple submitters, no conflicts (2 of 4 stars). 5 submissions from 5 submitters: Likely benign (4). 1 of the submissions does not count toward it. Last evaluated 2026-01-01.

Conditions:
NPRL2-related disorder. Also called: NPRL2-related condition.
Inborn genetic diseases. Identifiers: MedGen C0950123, MeSH D030342.

Allele frequency attached by ClinVar (database versions not stated): TOPMed 0.00014; ExAC 0.00018.
gnomAD v4.1: 176 of 1,614,008 alleles (0.011%); highest among the groups gnomAD compares: Admixed American, 0.13%; 1 homozygote.

Submissions (5):

CeGaT Center for Human Genetics Tuebingen
Classification: Likely benign. Last evaluated: 2026-01-01. Review status: criteria provided, single submitter. Criteria: CeGaT Center For Human Genetics Tuebingen Variant Classification Criteria Version 2. Collection method: clinical testing. Allele origin: germline. Affected: yes. Observed: 2 variant alleles.
Comment: NPRL2: BS1

Ambry Genetics
Classification: Likely benign for Inborn genetic diseases. Last evaluated: 2021-12-17. Review status: criteria provided, single submitter. Criteria: Ambry Variant Classification Scheme 2023. Collection method: clinical testing. Allele origin: germline.

Labcorp Genetics (formerly Invitae), Labcorp
Classification: Likely benign. Last evaluated: 2018-05-18. Review status: criteria provided, single submitter. Criteria: Invitae Variant Classification Sherloc (09022015). Collection method: clinical testing. Allele origin: germline.

Breakthrough Genomics
Classification: Likely benign. Review status: criteria provided, single submitter. Criteria: ACMG Guidelines, 2015. Collection method: not provided. Allele origin: germline. Inheritance: Autosomal dominant inheritance. Affected: yes.

PreventionGenetics, part of Exact Sciences
Classification: Likely benign for NPRL2-related condition. Last evaluated: 2022-08-29. Review status: no assertion criteria provided. Collection method: clinical testing. Allele origin: germline. Not counted in ClinVar's aggregate classification.
Comment: This variant is classified as likely benign based on ACMG/AMP sequence variant interpretation guidelines (Richards et al. 2015 PMID: 25741868, with internal and published modifications).

NM_006545.5(NPRL2):c.662G>A (p.Arg221His)

Gene: NPRL2 (NPR2 like, GATOR1 complex subunit; minus strand). Cytogenetic location: 3p21.31.
Variant type: single nucleotide variant.
Coding change: c.662G>A on transcript NM_006545.5 (MANE Select); coding-DNA position 662, G replaced by A.
Protein change: p.Arg221His; replaces arginine 221 with histidine.
Molecular consequence: missense variant.
Genome position (GRCh38, 1-based): chr3:50,348,706, C>T on the plus strand (G>A on the coding strand, the complement: NPRL2 is on the minus strand). VCF-style: chr3-50348706-C-T. GRCh37 (hg19) VCF-style: chr3-50386137-C-T.
Other names: short protein forms R221H.
Identifiers: ClinVar variation 773985 (VCV000773985.24), dbSNP rs766714619, ClinGen allele CA2417539.